The following is an entry in ClinVar:

ClinVar aggregate classification (germline): Likely benign. Review status: criteria provided, single submitter (1 of 4 stars). 2 submissions from 2 submitters: Likely benign (1). 1 of the submissions does not count toward it. Last evaluated 2023-03-04.

Conditions:
Multiple acyl-CoA dehydrogenase deficiency (MADD). Also called: Glutaric aciduria, type 2; Glutaric acidemia type II; GA 2; ETHYLMALONIC-ADIPICACIDURIA; GA II; Glutaric Acidemia type 2. Identifiers: Orphanet 26791, MedGen C0268596, MONDO:0009282, OMIM 231680.
ETFB-related disorder. Also called: ETFB-related condition.

Allele frequency attached by ClinVar (database versions not stated): gnomAD exomes below 0.00001.
gnomAD v4.1: 1 of 1,614,062 alleles (0.000062%); highest among the groups gnomAD compares: African/African-American, 0.0013%; no homozygotes.

Submissions (2):

Labcorp Genetics (formerly Invitae), Labcorp
Classification: Likely benign for Multiple acyl-CoA dehydrogenase deficiency. Last evaluated: 2023-03-04. Review status: criteria provided, single submitter. Criteria: Invitae Variant Classification Sherloc (09022015). Collection method: clinical testing. Allele origin: germline.

PreventionGenetics, part of Exact Sciences
Classification: Likely benign for ETFB-related condition. Last evaluated: 2019-09-17. Review status: no assertion criteria provided. Collection method: clinical testing. Allele origin: germline. Not counted in ClinVar's aggregate classification.
Comment: This variant is classified as likely benign based on ACMG/AMP sequence variant interpretation guidelines (Richards et al. 2015 PMID: 25741868, with internal and published modifications).

NM_001985.3(ETFB):c.669T>C (p.Ser223=)

Gene: ETFB (electron transfer flavoprotein subunit beta; minus strand). Cytogenetic location: 19q13.41.
Variant type: single nucleotide variant.
Coding change: c.669T>C on transcript NM_001985.3 (MANE Select); coding-DNA position 669, T replaced by C.
Protein change: p.Ser223=; no amino-acid change (serine 223 retained).
Molecular consequence: synonymous variant.
Genome position (GRCh38, 1-based): chr19:51,345,310, A>G on the plus strand (T>C on the coding strand, the complement: ETFB is on the minus strand). VCF-style: chr19-51345310-A-G. GRCh37 (hg19) VCF-style: chr19-51848564-A-G.
Other names: c.669T>C (NM_001985.2); c.942T>C, p.Ser314= (NM_001014763.1).
Identifiers: ClinVar variation 2884524 (VCV002884524.5), dbSNP rs1599837433, ClinGen allele CA508568333.